The following is an entry in ClinVar:

ClinVar aggregate classification (germline): Likely benign. Review status: criteria provided, multiple submitters, no conflicts (2 of 4 stars). 2 submissions from 2 submitters: Likely benign (2). Last evaluated 2023-08-16.

Allele frequency attached by ClinVar (database versions not stated): gnomAD exomes below 0.00001.
gnomAD v4.1: 6 of 1,608,038 alleles (0.00037%); highest among the groups gnomAD compares: Non-Finnish European, 0.00051%; no homozygotes.

Submissions (2):

Labcorp Genetics (formerly Invitae), Labcorp
Classification: Likely benign. Last evaluated: 2023-08-16. Review status: criteria provided, single submitter. Criteria: Invitae Variant Classification Sherloc (09022015). Collection method: clinical testing. Allele origin: germline.

CeGaT Center for Human Genetics Tuebingen
Classification: Likely benign. Last evaluated: 2023-04-01. Review status: criteria provided, single submitter. Criteria: CeGaT Center For Human Genetics Tuebingen Variant Classification Criteria Version 2. Collection method: clinical testing. Allele origin: germline. Affected: yes. Observed: 1 variant allele.
Comment: TOP2B: BP4, BP7

NM_001330700.2(TOP2B):c.2076C>T (p.Asp692=)

Gene: TOP2B (DNA topoisomerase II beta; minus strand). Cytogenetic location: 3p24.2.
Variant type: single nucleotide variant.
Coding change: c.2076C>T on transcript NM_001330700.2 (MANE Select); coding-DNA position 2076, C replaced by T.
Protein change: p.Asp692=; no amino-acid change (aspartic acid 692 retained).
Molecular consequence: synonymous variant.
Genome position (GRCh38, 1-based): chr3:25,626,805, G>A on the plus strand (C>T on the coding strand, the complement: TOP2B is on the minus strand). VCF-style: chr3-25626805-G-A. GRCh37 (hg19) VCF-style: chr3-25668296-G-A.
Other names: c.2061C>T, p.Asp687= (NM_001068.3).
Identifiers: ClinVar variation 2653631 (VCV002653631.27), dbSNP rs1375552841, ClinGen allele CA432840538.